The following is an entry in ClinVar:

NM_080680.3(COL11A2):c.4604G>T (p.Gly1535Val)

Gene: COL11A2 (collagen type XI alpha 2 chain; minus strand). Cytogenetic location: 6p21.32.
Variant type: single nucleotide variant.
Coding change: c.4604G>T on transcript NM_080680.3 (MANE Select); coding-DNA position 4604, G replaced by T.
Protein change: p.Gly1535Val; replaces glycine 1535 with valine.
Molecular consequence: missense variant.
Genome position (GRCh38, 1-based): chr6:33,165,695, C>A on the plus strand (G>T on the coding strand, the complement: COL11A2 is on the minus strand). VCF-style: chr6-33165695-C-A. GRCh37 (hg19) VCF-style: chr6-33133472-C-A.
Other names: c.4283G>T, p.Gly1428Val (NM_080679.3); c.4346G>T, p.Gly1449Val (NM_080681.3); short protein forms G1449V, G1535V, G1428V.
Identifiers: ClinVar variation 2015466 (VCV002015466.4), dbSNP rs2534457431, ClinGen allele CA363618776.

ClinVar aggregate classification (germline): Uncertain significance (1 of 4 stars; one submission).

Submission:

Labcorp Genetics (formerly Invitae), Labcorp
Classification: Uncertain significance. Last evaluated: 2022-10-03. Review status: criteria provided, single submitter. Criteria: Invitae Variant Classification Sherloc (09022015). Collection method: clinical testing. Allele origin: germline.
Comment: In summary, the available evidence is currently insufficient to determine the role of this variant in disease. Therefore, it has been classified as a Variant of Uncertain Significance. Advanced modeling of protein sequence and biophysical properties (such as structural, functional, and spatial information, amino acid conservation, physicochemical variation, residue mobility, and thermodynamic stability) performed at Invitae indicates that this missense variant is not expected to disrupt COL11A2 protein function. This variant has not been reported in the literature in individuals affected with COL11A2-related conditions. This variant is not present in population databases (gnomAD no frequency). This sequence change replaces glycine, which is neutral and non-polar, with valine, which is neutral and non-polar, at codon 1535 of the COL11A2 protein (p.Gly1535Val).